The following is an entry in ClinVar:

ClinVar aggregate classification (germline): Uncertain significance (1 of 4 stars; one submission).

Submission:

GeneDx
Classification: Uncertain significance. Last evaluated: 2023-11-10. Review status: criteria provided, single submitter. Criteria: GeneDx Variant Classification Process June 2021. Collection method: clinical testing. Allele origin: germline. Affected: yes.
Comment: Not observed at significant frequency in large population cohorts (gnomAD); In silico analysis supports that this missense variant has a deleterious effect on protein structure/function; Has not been previously published as pathogenic or benign to our knowledge

NM_001286.5(CLCN6):c.262G>A (p.Gly88Arg)

Gene: CLCN6 (chloride voltage-gated channel 6; plus strand). Cytogenetic location: 1p36.22.
Variant type: single nucleotide variant.
Coding change: c.262G>A on transcript NM_001286.5 (MANE Select); coding-DNA position 262, G replaced by A.
Protein change: p.Gly88Arg; replaces glycine 88 with arginine.
Molecular consequence: missense variant. On other transcripts: non-coding transcript variant (1).
Genome position (GRCh38, 1-based): chr1:11,816,663, G>A. VCF-style: chr1-11816663-G-A. GRCh37 (hg19) VCF-style: chr1-11876720-G-A.
Other names: c.196G>A, p.Gly66Arg (NM_001256959.2); short protein forms G66R, G88R.
Identifiers: ClinVar variation 3364108 (VCV003364108.1).